The following is an entry in ClinVar:

NM_014317.5(PDSS1):c.1210A>G (p.Ile404Val)

Gene: PDSS1 (decaprenyl diphosphate synthase subunit 1; plus strand). Cytogenetic location: 10p12.1.
Variant type: single nucleotide variant.
Coding change: c.1210A>G on transcript NM_014317.5 (MANE Select); coding-DNA position 1210, A replaced by G.
Protein change: p.Ile404Val; replaces isoleucine 404 with valine.
Molecular consequence: missense variant. On other transcripts: 3 prime UTR variant (1).
Genome position (GRCh38, 1-based): chr10:26,746,435, A>G. VCF-style: chr10-26746435-A-G. GRCh37 (hg19) VCF-style: chr10-27035364-A-G.
Other names: c.*98A>G (NM_001321978.2); c.700A>G, p.Ile234Val (NM_001321979.2); short protein forms I404V, I234V.
Identifiers: ClinVar variation 1945384 (VCV001945384.5), dbSNP rs750246191, ClinGen allele CA5447171.

ClinVar aggregate classification (germline): Uncertain significance (1 of 4 stars; one submission).

Allele frequency attached by ClinVar (database versions not stated): gnomAD exomes below 0.00001; ExAC 0.00001; TOPMed 0.00001.
gnomAD v4.1: 1 of 1,614,052 alleles (0.000062%); highest among the groups gnomAD compares: East Asian, 0.0022%; no homozygotes.

Submission:

Labcorp Genetics (formerly Invitae), Labcorp
Classification: Uncertain significance. Last evaluated: 2022-06-02. Review status: criteria provided, single submitter. Criteria: Invitae Variant Classification Sherloc (09022015). Collection method: clinical testing. Allele origin: germline.
Comment: In summary, the available evidence is currently insufficient to determine the role of this variant in disease. Therefore, it has been classified as a Variant of Uncertain Significance. Algorithms developed to predict the effect of missense changes on protein structure and function are either unavailable or do not agree on the potential impact of this missense change (SIFT: "Not Available"; PolyPhen-2: "Benign"; Align-GVGD: "Not Available"). This variant has not been reported in the literature in individuals affected with PDSS1-related conditions. This variant is present in population databases (rs750246191, gnomAD 0.006%). This sequence change replaces isoleucine, which is neutral and non-polar, with valine, which is neutral and non-polar, at codon 404 of the PDSS1 protein (p.Ile404Val).